The following is an entry in ClinVar:

ClinVar aggregate classification (germline): Pathogenic. Review status: criteria provided, multiple submitters, no conflicts (2 of 4 stars). 14 submissions from 14 submitters: Pathogenic (11). 3 of the submissions do not count toward it. Last evaluated 2026-01-18.

Conditions:
Bardet-Biedl syndrome 2 (BBS2). Identifiers: Orphanet 110, MedGen C2936863, MONDO:0014432, OMIM 615981.
BBS2-related disorder. Also called: BBS2-related disorders; BBS2-related condition. Identifiers: MedGen CN239228.
Retinitis pigmentosa 74 (RP74). Identifiers: Orphanet 791, MedGen C4225281, MONDO:0014692, OMIM 616562.
Retinal dystrophy. Also called: Inherited retinal dystrophy. Identifiers: Orphanet 71862, MedGen C0854723, MeSH D058499, MONDO:0019118, HP:0000556.
Bardet-Biedl syndrome (BBS). Identifiers: Orphanet 110, MedGen C0752166, MONDO:0015229.

Allele frequency attached by ClinVar (database versions not stated): TOPMed 0.00002; gnomAD 0.00003; ESP Exome Variant Server 0.00008; 1000 Genomes Project 30x 0.00016; 1000 Genomes Project 0.00020.
gnomAD v4.1: 45 of 1,614,130 alleles (0.0028%); highest among the groups gnomAD compares: East Asian, 0.013%; no homozygotes.

Submissions (14):

Labcorp Genetics (formerly Invitae), Labcorp
Classification: Pathogenic for Bardet-Biedl syndrome. Last evaluated: 2026-01-18. Review status: criteria provided, single submitter. Criteria: Invitae Variant Classification Sherloc (09022015). Collection method: clinical testing. Allele origin: germline.
Comment: This sequence change creates a premature translational stop signal (p.Arg413*) in the BBS2 gene. It is expected to result in an absent or disrupted protein product. Loss-of-function variants in BBS2 are known to be pathogenic (PMID: 11285252, 20177705, 24608809, 26518167). This variant is present in population databases (rs147030232, gnomAD 0.005%). This premature translational stop signal has been observed in individuals with Bardet-Biedl syndrome (PMID: 12920096, 21642631, 29588463). ClinVar contains an entry for this variant (Variation ID: 370943). Algorithms developed to predict the effect of sequence changes on RNA splicing suggest that this variant may disrupt the consensus splice site. For these reasons, this variant has been classified as Pathogenic.

Natera, Inc.
Classification: Pathogenic for Bardet-Biedl syndrome type 2. Last evaluated: 2025-10-08. Review status: criteria provided, single submitter. Criteria: Natera Variant Classification Schema (03/2026). Collection method: clinical testing. Allele origin: germline.
Comment: The c.1237C>T variant in BBS2 is a nonsense variant predicted to introduce a stop codon at amino acid 413. This variant is expected to result in nonsense mediated decay, truncation, or a dysfunctional protein product. This variant is rare in the general population with a frequency below the threshold expected for the associated phenotype(s). This variant has been observed in one or more individuals affected with the associated recessive disease, as either homozygous or compound heterozygous with a second variant (PMID: 21052717). Given the available evidence, this variant is classified as Pathogenic.

Fulgent Genetics
Classification: Pathogenic for Bardet-Biedl syndrome 2; Retinitis pigmentosa 74. Last evaluated: 2024-06-13. Review status: criteria provided, single submitter. Criteria: ACMG Guidelines, 2015. Collection method: clinical testing. Allele origin: germline.

Laboratory of Medical Genetics, National & Kapodistrian University of Athens
Classification: Pathogenic for Bardet-Biedl syndrome 2. Last evaluated: 2024-02-01. Review status: criteria provided, single submitter. Criteria: ACMG Guidelines, 2015. Collection method: curation. Allele origin: germline. Affected: no.

Baylor Genetics
Classification: Pathogenic for Bardet-Biedl syndrome 2. Last evaluated: 2023-10-22. Review status: criteria provided, single submitter. Criteria: ACMG Guidelines, 2015. Collection method: clinical testing. Allele origin: unknown.

Dept Of Ophthalmology, Nagoya University
Classification: Pathogenic for Retinal dystrophy. Last evaluated: 2023-10-01. Review status: criteria provided, single submitter. Criteria: Submitter's publication. Collection method: research. Allele origin: germline. Affected: yes.

Victorian Clinical Genetics Services, Murdoch Childrens Research Institute
Classification: Pathogenic for Bardet-Biedl syndrome 2. Last evaluated: 2022-02-02. Review status: criteria provided, single submitter. Criteria: ACMG Guidelines, 2015. Collection method: clinical testing. Allele origin: germline. Inheritance: Autosomal recessive inheritance. Affected: yes.
Comment: Based on the classification scheme VCGS_Germline_v1.3.4, this variant is classified as Pathogenic. Following criteria are met: 0102 - Loss of function is a known mechanism of disease in this gene and is associated with Bardet-Biedl syndrome 2 (MIM#615981) and retinitis pigmentosa 74 (MIM#616562). (I) 0106 - This gene is associated with autosomal recessive disease. (I) 0201 - Variant is predicted to cause nonsense-mediated decay (NMD) and loss of protein (premature termination codon is located at least 54 nucleotides upstream of the final exon-exon junction). (SP) 0251 - This variant is heterozygous. (I) 0304 - Variant is present in gnomAD <0.01 for a recessive condition (v2: 6 heterozygotes, 0 homozygotes). (SP) 0701 - Other NMD-predicted variants comparable to the one identified in this case have very strong previous evidence for pathogenicity (Decipher; PMID: 31283077). (SP) 0801 - This variant has strong previous evidence of pathogenicity in unrelated individuals. This variant has been classified as likely pathogenic or pathogenic by clinical diagnostic laboratories and has been reported as homozygous or compound heterozygous in individuals with Bardet-Biedl syndrome 2 or retinitis pigmentosa (ClinVar; PMIDs: 19797195, 21344540, 26325687, 29588463, 31960602). (I) Legend: (SP) - Supporting pathogenic, (I) - Information, (SB) - Supporting benign

Blueprint Genetics
Classification: Pathogenic for BBS2-related disorders. Last evaluated: 2020-09-03. Review status: criteria provided, single submitter. Criteria: ACMG Guidelines, 2015. Collection method: clinical testing. Allele origin: germline. Affected: yes. Observed: 3 variant alleles.

Women's Health and Genetics/Laboratory Corporation of America, LabCorp
Classification: Pathogenic for Bardet-Biedl syndrome. Last evaluated: 2019-08-30. Review status: criteria provided, single submitter. Criteria: LabCorp Variant Classification Summary - May 2015. Collection method: clinical testing. Allele origin: germline.
Comment: Variant summary: BBS2 c.1237C>T (p.Arg413X) results in a premature termination codon, predicted to cause a truncation of the encoded protein or absence of the protein due to nonsense mediated decay, which are commonly known mechanisms for disease. The variant allele was found at a frequency of 2e-05 in 251474 control chromosomes (gnomAD). c.1237C>T has been reported in the literature (including homozygous occurrences) in multiple individuals and families affected with Bardet-Biedl Syndrome (e.g. Fauser_2003, Chen_2011, Sanchez-Navarro_2018, Liu_2015). These data indicate that the variant is very likely to be associated with disease. To our knowledge, no experimental evidence demonstrating an impact on protein function has been reported. Two clinical diagnostic laboratories have submitted clinical-significance assessments for this variant to ClinVar after 2014 without evidence for independent evaluation, and classified the variant as pathogenic (1x) or likely pathogenic (1x). Based on the evidence outlined above, the variant was classified as pathogenic.

GeneDx
Classification: Pathogenic. Last evaluated: 2019-06-07. Review status: criteria provided, single submitter. Criteria: GeneDx Variant Classification Process June 2021. Collection method: clinical testing. Allele origin: germline. Affected: yes.
Comment: Nonsense variant predicted to result in protein truncation or nonsense mediated decay in a gene for which loss-of-function is a known mechanism of disease This variant is associated with the following publications: (PMID: 31960602, 30293640, 21642631, 12920096, 25525159, 21052717, 15224652)

Centre for Genomic Medicine, Manchester, Central Manchester University Hospitals
Classification: Pathogenic for Bardet-Biedl syndrome 2. Last evaluated: 2019-02-01. Review status: criteria provided, single submitter. Criteria: ACMG Guidelines, 2015. Collection method: clinical testing. Allele origin: germline. Affected: yes. Observed: 1 variant allele, 1 homozygote.

PreventionGenetics, part of Exact Sciences
Classification: Pathogenic for BBS2-related condition. Last evaluated: 2024-02-06. Review status: no assertion criteria provided. Collection method: clinical testing. Allele origin: germline. Not counted in ClinVar's aggregate classification.
Comment: The BBS2 c.1237C>T variant is predicted to result in premature protein termination (p.Arg413*). This variant has previously been found in the compound heterozygous and homozygous states in individuals with autosomal recessive Bardet-Biedl syndrome and retinitis pigmentosa (Janssen et al. 2011. PubMed ID: 21052717; Dan et al. 2020. PubMed ID: 31960602; Liu et al. 2015. PubMed ID: 25611614). This variant is reported in 0.0050% of alleles in individuals of East Asian descent in gnomAD. Nonsense variants in BBS2 are expected to be pathogenic. This variant is interpreted as pathogenic.

Counsyl
Classification: Likely pathogenic for Bardet-Biedl syndrome 2. Last evaluated: 2016-11-02. Review status: no assertion criteria provided. Collection method: clinical testing. Allele origin: unknown. Not counted in ClinVar's aggregate classification.

Genomics England Pilot Project, Genomics England
Classification: Likely pathogenic for Bardet-Biedl syndrome 2. Review status: no assertion criteria provided. Criteria: ACGS Guidelines, 2016. Collection method: clinical testing. Allele origin: germline. Affected: yes. Not counted in ClinVar's aggregate classification.

Literature cited by the submitters: PubMed 11285252 (cited by Labcorp Genetics (formerly Invitae), Labcorp); PubMed 20177705 (cited by Labcorp Genetics (formerly Invitae), Labcorp); PubMed 24608809 (cited by Labcorp Genetics (formerly Invitae), Labcorp); PubMed 26518167 (cited by Labcorp Genetics (formerly Invitae), Labcorp); PubMed 12920096 (cited by Labcorp Genetics (formerly Invitae), Labcorp and Women's Health and Genetics/Laboratory Corporation of America, LabCorp); PubMed 21642631 (cited by 3 submitters); PubMed 29588463 (cited by 3 submitters); PubMed 21052717 (cited by Natera, Inc.); PubMed 19797195 (cited by Victorian Clinical Genetics Services, Murdoch Childrens Research Institute and Women's Health and Genetics/Laboratory Corporation of America, LabCorp); PubMed 21344540 (cited by Victorian Clinical Genetics Services, Murdoch Childrens Research Institute); PubMed 26325687 (cited by Victorian Clinical Genetics Services, Murdoch Childrens Research Institute); PubMed 31283077 (cited by Victorian Clinical Genetics Services, Murdoch Childrens Research Institute); PubMed 31960602 (cited by Victorian Clinical Genetics Services, Murdoch Childrens Research Institute); PubMed 28418496 (cited by Women's Health and Genetics/Laboratory Corporation of America, LabCorp); PubMed 25611614 (cited by Women's Health and Genetics/Laboratory Corporation of America, LabCorp); PubMed 27708425 (cited by Women's Health and Genetics/Laboratory Corporation of America, LabCorp).

NM_031885.5(BBS2):c.1237C>T (p.Arg413Ter)

Gene: BBS2 (Bardet-Biedl syndrome 2; minus strand). Cytogenetic location: 16q13.
Variant type: single nucleotide variant.
Coding change: c.1237C>T on transcript NM_031885.5 (MANE Select); coding-DNA position 1237, C replaced by T.
Protein change: p.Arg413Ter; replaces arginine 413 with a stop codon.
Molecular consequence: nonsense. On other transcripts: non-coding transcript variant (2).
Genome position (GRCh38, 1-based): chr16:56,501,014, G>A on the plus strand (C>T on the coding strand, the complement: BBS2 is on the minus strand). VCF-style: chr16-56501014-G-A. GRCh37 (hg19) VCF-style: chr16-56534926-G-A.
Other names: c.1237C>T, p.Arg413Ter (NM_001377456.1); short protein forms R413*.
Identifiers: ClinVar variation 370943 (VCV000370943.33), dbSNP rs147030232, ClinGen allele CA8065780.